The following is an entry in ClinVar:

ClinVar aggregate classification (germline): Uncertain significance (1 of 4 stars; one submission).

Allele frequency attached by ClinVar (database versions not stated): TOPMed below 0.00001; gnomAD exomes 0.00001; ExAC 0.00002.
gnomAD v4.1: 13 of 1,614,224 alleles (0.00081%); highest among the groups gnomAD compares: Non-Finnish European, 0.000085%; no homozygotes.

Submission:

Labcorp Genetics (formerly Invitae), Labcorp
Classification: Uncertain significance. Last evaluated: 2020-12-29. Review status: criteria provided, single submitter. Criteria: Invitae Variant Classification Sherloc (09022015). Collection method: clinical testing. Allele origin: germline.
Comment: This sequence change replaces glutamic acid with aspartic acid at codon 261 of the NLRP1 protein (p.Glu261Asp). The glutamic acid residue is highly conserved and there is a small physicochemical difference between glutamic acid and aspartic acid. This variant is present in population databases (rs754760235, ExAC 0.003%). This variant has not been reported in the literature in individuals with NLRP1-related conditions. Algorithms developed to predict the effect of missense changes on protein structure and function are either unavailable or do not agree on the potential impact of this missense change (SIFT: "Tolerated"; PolyPhen-2: "Possibly Damaging"; Align-GVGD: "Class C0"). In summary, the available evidence is currently insufficient to determine the role of this variant in disease. Therefore, it has been classified as a Variant of Uncertain Significance.

NM_033004.4(NLRP1):c.783G>C (p.Glu261Asp)

Gene: NLRP1 (NLR family pyrin domain containing 1; minus strand). Cytogenetic location: 17p13.2.
Variant type: single nucleotide variant.
Coding change: c.783G>C on transcript NM_033004.4 (MANE Select); coding-DNA position 783, G replaced by C.
Protein change: p.Glu261Asp; replaces glutamic acid 261 with aspartic acid.
Molecular consequence: missense variant.
Genome position (GRCh38, 1-based): chr17:5,559,913, C>G on the plus strand (G>C on the coding strand, the complement: NLRP1 is on the minus strand). VCF-style: chr17-5559913-C-G. GRCh37 (hg19) VCF-style: chr17-5463233-C-G.
Other names: c.783G>C, p.Glu261Asp (NM_001033053.3, NM_014922.5, NM_033006.4 and 1 more transcripts); short protein forms E261D.
Identifiers: ClinVar variation 1464041 (VCV001464041.8), dbSNP rs754760235, ClinGen allele CA8327484.
Genomic context (GRCh38, chr17:5,559,913, plus strand): 5'-CAGCTGTGTGAATTTTTGGTTAAAATCCTCATTTTTCCAGGGCCATGTGGAACAGAGGCT[C>G]TCTCTCACAGAAGGCTCCCATGGGTGGTGGTGGGGCTGTAGGCTGGTGTGCGCCTGTGGG-3'
Protein context (NP_127497.1, residues 251-271): HHHPWEPSVR[Glu261Asp]SLCSTWPWKN